The following is an entry in ClinVar:

NM_001114753.3(ENG):c.1628A>G (p.Lys543Arg)

Genes: ENG (endoglin; minus strand), LOC102723566 (uncharacterized LOC102723566; plus strand). Cytogenetic location: 9q34.11.
Variant type: single nucleotide variant.
Coding change: c.1628A>G on transcript NM_001114753.3 (MANE Select); coding-DNA position 1628, A replaced by G.
Protein change: p.Lys543Arg; replaces lysine 543 with arginine.
Molecular consequence: missense variant.
Genome position (GRCh38, 1-based): chr9:127,818,178, T>C on the plus strand (A>G on the coding strand, the complement: ENG is on the minus strand). VCF-style: chr9-127818178-T-C. GRCh37 (hg19) VCF-style: chr9-130580457-T-C.
Other names: c.1628A>G, p.Lys543Arg (NM_000118.4); c.1082A>G, p.Lys361Arg (NM_001278138.2); short protein forms K361R, K543R.
Identifiers: ClinVar variation 4870415 (VCV004870415.1).

ClinVar aggregate classification (germline): Uncertain significance (1 of 4 stars; one submission).

Conditions:
Cardiovascular phenotype. Identifiers: MedGen CN230736.

Submission:

Ambry Genetics
Classification: Uncertain significance for Cardiovascular phenotype. Last evaluated: 2026-05-23. Review status: criteria provided, single submitter. Criteria: Ambry Variant Classification Scheme 2023. Collection method: clinical testing. Allele origin: germline.
Comment: The p.K543R variant (also known as c.1628A>G), located in coding exon 12 of the ENG gene, results from an A to G substitution at nucleotide position 1628. The lysine at codon 543 is replaced by arginine, an amino acid with highly similar properties. This amino acid position is conserved. In addition, this alteration is predicted to be tolerated by in silico analysis. Based on the available evidence, the clinical significance of this variant remains unclear.